The following is an entry in ClinVar:

ClinVar aggregate classification (germline): Uncertain significance (1 of 4 stars; one submission).

Allele frequency attached by ClinVar (database versions not stated): gnomAD exomes below 0.00001 and 0.00001; TOPMed below 0.00001; ExAC 0.00002.
gnomAD v4.1: 4 of 1,613,728 alleles (0.00025%); highest among the groups gnomAD compares: South Asian, 0.0033%; no homozygotes.

Submission:

Labcorp Genetics (formerly Invitae), Labcorp
Classification: Uncertain significance. Last evaluated: 2022-06-20. Review status: criteria provided, single submitter. Criteria: Invitae Variant Classification Sherloc (09022015). Collection method: clinical testing. Allele origin: germline.
Comment: In summary, the available evidence is currently insufficient to determine the role of this variant in disease. Therefore, it has been classified as a Variant of Uncertain Significance. Variants that disrupt the consensus splice site are a relatively common cause of aberrant splicing (PMID: 17576681, 9536098). Algorithms developed to predict the effect of sequence changes on RNA splicing suggest that this variant is not likely to affect RNA splicing. This variant has not been reported in the literature in individuals affected with TBX15-related conditions. This variant is present in population databases (rs773637205, gnomAD 0.007%). This sequence change falls in intron 6 of the TBX15 gene. It does not directly change the encoded amino acid sequence of the TBX15 protein. It affects a nucleotide within the consensus splice site.

Literature cited by the submitters: PubMed 17576681; PubMed 9536098.

NM_001330677.2(TBX15):c.926+3A>G

Gene: TBX15 (T-box transcription factor 15; minus strand). Cytogenetic location: 1p12.
Variant type: single nucleotide variant.
Coding change: c.926+3A>G on transcript NM_001330677.2 (MANE Select); 3 bases into the intron after coding-DNA position 926, A replaced by G.
Molecular consequence: intron variant.
Genome position (GRCh38, 1-based): chr1:118,914,112, T>C on the plus strand (A>G on the coding strand, the complement: TBX15 is on the minus strand). VCF-style: chr1-118914112-T-C. GRCh37 (hg19) VCF-style: chr1-119456735-T-C.
Other names: c.608+3A>G (NM_152380.3).
Identifiers: ClinVar variation 1359157 (VCV001359157.6), dbSNP rs773637205, ClinGen allele CA1034972.